The following is an entry in ClinVar:

ClinVar aggregate classification (germline): Conflicting classifications of pathogenicity. Review status: criteria provided, conflicting classifications (1 of 4 stars). 2 submissions from 2 submitters: Uncertain significance (1); Likely benign (1). Last evaluated 2024-07-08.

Conditions:
Pheochromocytoma. Also called: MAX-Related Hereditary Paraganglioma-Pheochromocytoma Syndrome. Identifiers: Orphanet 29072, MedGen C0031511, MONDO:0008233, OMIM 171300, HP:0002666.
Gastrointestinal stromal tumor. Also called: Gastrointestinal stromal tumor, somatic; Gastrointestinal stroma tumor. Identifiers: Orphanet 44890, MedGen C0238198, MeSH D046152, MONDO:0011719, OMIM 606764, HP:0100723.
Pheochromocytoma/paraganglioma syndrome 4. Also called: CAROTID BODY TUMORS AND MULTIPLE EXTRAADRENAL PHEOCHROMOCYTOMAS; SDHB-Related Hereditary Paraganglioma-Pheochromocytoma Syndrome (Paragangliomas 4); Paragangliomas 4; SDHB-Related Hereditary Paraganglioma-Pheochromocytoma Syndrome; PARAGANGLIOMA, FAMILIAL MALIGNANT; PARAGANGLIOMAS, HEREDITARY EXTRAADRENAL. Identifiers: Orphanet 29072, MedGen C1861848, MONDO:0007273, OMIM 115310.
Hereditary pheochromocytoma and paraganglioma. Also called: Hereditary paragangliomas and pheochromocytomas; Hereditary Paraganglioma-Pheochromocytoma Syndromes; Hereditary pheochromocytoma-paraganglioma. Identifiers: Orphanet 29072, MedGen C4274332, MONDO:0017366.

Allele frequency attached by ClinVar (database versions not stated): gnomAD exomes below 0.00001.
gnomAD v4.1: 1 of 1,613,782 alleles (0.000062%); highest among the groups gnomAD compares: Non-Finnish European, 0.000085%; no homozygotes.

Submissions (2):

Labcorp Genetics (formerly Invitae), Labcorp
Classification: Likely benign for Gastrointestinal stromal tumor; Pheochromocytoma/paraganglioma syndrome 4; Pheochromocytoma. Last evaluated: 2024-07-08. Review status: criteria provided, single submitter. Criteria: Invitae Variant Classification Sherloc (09022015). Collection method: clinical testing. Allele origin: germline.

All of Us Research Program, National Institutes of Health
Classification: Uncertain significance for Hereditary pheochromocytoma and paraganglioma. Last evaluated: 2023-04-03. Review status: criteria provided, single submitter. Criteria: ACMG Guidelines, 2015. Collection method: clinical testing. Allele origin: germline. Inheritance: Autosomal dominant inheritance. Observed: 1 variant allele, 1 heterozygote.
Comment: This variant causes a T to C nucleotide substitution at the +6 position of intron 7 of the SDHB gene. Splice site prediction tools suggest that this variant may not impact RNA splicing. To our knowledge, functional studies have not been reported for this variant. This variant has not been reported in individuals affected with hereditary paranganglioma-pheochromocytoma syndrome in the literature. This variant has not been identified in the general population by the Genome Aggregation Database (gnomAD). The available evidence is insufficient to determine the role of this variant in disease conclusively. Therefore, this variant is classified as a Variant of Uncertain Significance.

This study involves interpretation of variants in research participants for the purpose of population health screening. Participant phenotype was not available at the time of variant classification. Additional details can be found in publication PMID: 35346344, PMCID: PMC8962531

NM_003000.3(SDHB):c.765+6T>C

Gene: SDHB (succinate dehydrogenase complex iron sulfur subunit B; minus strand). Cytogenetic location: 1p36.13.
Variant type: single nucleotide variant.
Coding change: c.765+6T>C on transcript NM_003000.3 (MANE Select); 6 bases into the intron after coding-DNA position 765, T replaced by C.
Molecular consequence: intron variant.
Genome position (GRCh38, 1-based): chr1:17,022,602, A>G on the plus strand (T>C on the coding strand, the complement: SDHB is on the minus strand). VCF-style: chr1-17022602-A-G. GRCh37 (hg19) VCF-style: chr1-17349097-A-G.
Identifiers: ClinVar variation 1062600 (VCV001062600.6), dbSNP rs2101513489, ClinGen allele CA2499214289.
Genomic context (GRCh38, chr1:17,022,602, plus strand): 5'-GTGAGCACATGCTACTTCTGGCGTGTCAGCTCTGAGGCAGAGCTGAGGGTCACCAGCCCC[A>G]CGTACCTTAGGACAGGTCCTTGTGCAGTTCATGATGGTGTGGCAGCGGTATAGAGAGAAT-3'